The following is an entry in ClinVar:

NM_000303.3(PMM2):c.384C>T (p.Asn128=)

Gene: PMM2 (phosphomannomutase 2; plus strand). Cytogenetic location: 16p13.2.
Variant type: single nucleotide variant.
Coding change: c.384C>T on transcript NM_000303.3 (MANE Select); coding-DNA position 384, C replaced by T.
Protein change: p.Asn128=; no amino-acid change (asparagine 128 retained).
Molecular consequence: synonymous variant.
Genome position (GRCh38, 1-based): chr16:8,811,115, C>T. VCF-style: chr16-8811115-C-T. GRCh37 (hg19) VCF-style: chr16-8904972-C-T.
Identifiers: ClinVar variation 255806 (VCV000255806.26), dbSNP rs147068457, ClinGen allele CA7894042.

ClinVar aggregate classification (germline): Likely benign. Review status: criteria provided, multiple submitters, no conflicts (2 of 4 stars). 4 submissions from 4 submitters: Likely benign (4). Last evaluated 2026-01-26.

Conditions:
PMM2-congenital disorder of glycosylation. Also called: JAEKEN SYNDROME; PHOSPHOMANNOMUTASE 2 DEFICIENCY; CARBOHYDRATE-DEFICIENT GLYCOPROTEIN SYNDROME, TYPE Ia; CDG Ia; PMM2-CDG; Congenital disorder of glycosylation, type Ia. Identifiers: Orphanet 79318, MedGen C0349653, MONDO:0008907, OMIM 212065.

Allele frequency attached by ClinVar (database versions not stated): gnomAD exomes 0.00001 and 0.00003; gnomAD 0.00003 and 0.00004; TOPMed 0.00004; ExAC 0.00006; ESP Exome Variant Server 0.00008; 1000 Genomes Project 30x 0.00031.
gnomAD v4.1: 16 of 1,576,852 alleles (0.001%); highest among the groups gnomAD compares: African/African-American, 0.0094%; no homozygotes.

Submissions (4):

Labcorp Genetics (formerly Invitae), Labcorp
Classification: Likely benign for PMM2-congenital disorder of glycosylation. Last evaluated: 2026-01-26. Review status: criteria provided, single submitter. Criteria: Invitae Variant Classification Sherloc (09022015). Collection method: clinical testing. Allele origin: germline.

CeGaT Center for Human Genetics Tuebingen
Classification: Likely benign. Last evaluated: 2024-12-01. Review status: criteria provided, single submitter. Criteria: CeGaT Center For Human Genetics Tuebingen Variant Classification Criteria Version 2. Collection method: clinical testing. Allele origin: germline. Affected: yes. Observed: 1 variant allele.
Comment: PMM2: BP4, BP7

Fulgent Genetics
Classification: Likely benign for PMM2-congenital disorder of glycosylation. Last evaluated: 2021-09-13. Review status: criteria provided, single submitter. Criteria: ACMG Guidelines, 2015. Collection method: clinical testing. Allele origin: unknown.

PreventionGenetics, part of Exact Sciences
Classification: Likely benign. Review status: criteria provided, single submitter. Criteria: ACMG Guidelines, 2015. Collection method: clinical testing. Allele origin: germline.